The following is an entry in ClinVar:

ClinVar aggregate classification (germline): Uncertain significance (1 of 4 stars; one submission).

Submission:

Labcorp Genetics (formerly Invitae), Labcorp
Classification: Uncertain significance. Last evaluated: 2024-01-13. Review status: criteria provided, single submitter. Criteria: Invitae Variant Classification Sherloc (09022015). Collection method: clinical testing. Allele origin: germline.
Comment: This variant results in a copy number gain of the genomic region encompassing exon(s) 1-9 of the DNA2 gene. This region includes the initiator codon of the gene. This copy number gain extends beyond the assayed region for this gene and therefore may encompass additional genes. As the precise location of this event is unknown, it may be in tandem or it may be located elsewhere in the genome. This variant has not been reported in the literature in individuals affected with DNA2-related conditions. Experimental studies and prediction algorithms are not available or were not evaluated, and the functional significance of this variant is currently unknown. In summary, the available evidence is currently insufficient to determine the role of this variant in disease. Therefore, it has been classified as a Variant of Uncertain Significance.

NC_000010.10:g.(?_70202654)_(70231621_?)dup

Gene: DNA2 (DNA replication helicase/nuclease 2; minus strand). Cytogenetic location: 10q21.3.
Variant type: Duplication.
Identifiers: ClinVar variation 2423646 (VCV002423646.3).